The following is an entry in ClinVar:

NM_018489.3(ASH1L):c.3004_3005del (p.Leu1002fs)

Gene: ASH1L (ASH1 like histone lysine methyltransferase; minus strand). Cytogenetic location: 1q22.
Variant type: Deletion.
Coding change: c.3004_3005del on transcript NM_018489.3 (MANE Select); coding-DNA positions 3004 to 3005, 2 bases deleted (CT; older notation c.3004_3005delCT).
Protein change: p.Leu1002fs; shifts the reading frame from leucine 1002.
Molecular consequence: frameshift variant.
Genome position (GRCh38, 1-based): chr1:155,479,865-155,479,866, AG deleted on the plus strand (CT on the coding strand, the reverse complement: ASH1L is on the minus strand); deleting any 2 consecutive bases within chr1:155,479,865-155,479,867 gives the same sequence; the c. name uses the placement nearest the transcript's 3' end. VCF-style (leftmost placement, unchanged base first): chr1-155479864-AAG-A. GRCh37 (hg19) VCF-style: chr1-155449655-AAG-A.
Other names: c.3004_3005del, p.Leu1002fs (NM_001366177.2); short protein forms L1002fs.
Identifiers: ClinVar variation 806236 (VCV000806236.43), dbSNP rs1570938260, ClinGen allele CA915941451.

ClinVar aggregate classification (germline): Conflicting classifications of pathogenicity. Review status: criteria provided, conflicting classifications (1 of 4 stars). 2 submissions from 2 submitters: Likely pathogenic (1); Uncertain significance (1). Last evaluated 2025-06-03.

Conditions:
Intellectual developmental disorder, autosomal dominant 52. Also called: Intellectual disability, autosomal dominant 52; Mental retardation, autosomal dominant 52. Identifiers: MedGen C4540478, MONDO:0030918, OMIM 617796.

Submissions (2):

Variantyx, Inc.
Classification: Likely pathogenic for Intellectual developmental disorder, autosomal dominant 52. Last evaluated: 2025-06-03. Review status: criteria provided, single submitter. Criteria: Variantyx Assertion Criteria 2022. Collection method: clinical testing. Allele origin: de novo. Inheritance: Autosomal dominant inheritance.
Comment: This is a frameshift variant in the ASH1L gene (OMIM: 607999). Pathogenic variants in this gene have been associated with autosomal dominant intellectual developmental disorder 52. This variant introduces a premature termination codon in exon 3 out of 28 and is expected to result in loss of function, which is a known disease mechanism for ASH1L in this disorder (PMID: 29753921, 34373061 ) (PVS1). This variant is absent from control populations (PM2_Supporting). Based on the current evidence, this variant is classified as pathogenic for autosomal dominant intellectual developmental disorder 52.

CeGaT Center for Human Genetics Tuebingen
Classification: Uncertain significance. Last evaluated: 2019-02-01. Review status: criteria provided, single submitter. Criteria: CeGaT Center For Human Genetics Tuebingen Variant Classification Criteria Version 2. Collection method: clinical testing. Allele origin: germline. Affected: yes. Observed: 1 variant allele.

Literature cited by the submitters: PubMed 29753921 (cited by Variantyx, Inc.); PubMed 34373061 (cited by Variantyx, Inc.).